The following is an entry in ClinVar:

ClinVar aggregate classification (germline): Likely benign (1 of 4 stars; one submission).

Allele frequency attached by ClinVar (database versions not stated): gnomAD exomes 0.00001; ExAC 0.00001; TOPMed below 0.00001.
gnomAD v4.1: 13 of 1,442,970 alleles (0.0009%); highest among the groups gnomAD compares: South Asian, 0.023%; no homozygotes.

Submission:

GeneDx
Classification: Likely benign. Last evaluated: 2018-03-29. Review status: criteria provided, single submitter. Criteria: GeneDx Variant Classification (06012015). Collection method: clinical testing. Allele origin: germline. Affected: yes.
Comment: This variant is considered likely benign or benign based on one or more of the following criteria: it is a conservative change, it occurs at a poorly conserved position in the protein, it is predicted to be benign by multiple in silico algorithms, and/or has population frequency not consistent with disease.

NM_001267550.2(TTN):c.54383T>G (p.Ile18128Ser)

Genes: TTN (titin; minus strand), TTN-AS1 (TTN antisense RNA 1; plus strand). Cytogenetic location: 2q31.2.
Variant type: single nucleotide variant.
Coding change: c.54383T>G on transcript NM_001267550.2 (MANE Select); coding-DNA position 54383, T replaced by G.
Protein change: p.Ile18128Ser; replaces isoleucine 18128 with serine.
Molecular consequence: missense variant.
Genome position (GRCh38, 1-based): chr2:178,604,304, A>C on the plus strand (T>G on the coding strand, the complement: TTN is on the minus strand). VCF-style: chr2-178604304-A-C. GRCh37 (hg19) VCF-style: chr2-179469031-A-C.
Other names: c.49460T>G, p.Ile16487Ser (NM_001256850.1); c.27188T>G, p.Ile9063Ser (NM_003319.4); c.46679T>G, p.Ile15560Ser (NM_133378.4); c.27563T>G, p.Ile9188Ser (NM_133432.3); c.27764T>G, p.Ile9255Ser (NM_133437.4); short protein forms I15560S, I16487S, I18128S, I9063S, I9188S, I9255S.
Identifiers: ClinVar variation 681527 (VCV000681527.1), dbSNP rs765843072, ClinGen allele CA1993635.